The following is an entry in ClinVar:

ClinVar aggregate classification (germline): Uncertain significance. Review status: criteria provided, multiple submitters, no conflicts (2 of 4 stars). 3 submissions from 3 submitters: Uncertain significance (3). Last evaluated 2024-05-09.

Conditions:
BMP4-related disorder. Also called: BMP4-related condition.
Orofacial cleft 11 (OFC11). Also called: Orofacial cleft 11; ofc11; CLEFT LIP WITH OR WITHOUT CLEFT PALATE, NONSYNDROMIC, 11. Identifiers: MedGen C2677434, MONDO:0010906, OMIM 600625.
Microphthalmia with brain and digit anomalies (MCOPS6). Also called: MICROPHTHALMIA AND PITUITARY ANOMALIES; Microphthalmia, syndromic 6. Identifiers: Orphanet 139471, MedGen C1864689, MONDO:0011936, OMIM 607932.

Allele frequency attached by ClinVar (database versions not stated): gnomAD 0.00001; TOPMed 0.00002; ExAC 0.00003; 1000 Genomes Project 30x 0.00016; 1000 Genomes Project 0.00020.
gnomAD v4.1: 17 of 1,613,802 alleles (0.0011%); highest among the groups gnomAD compares: Admixed American, 0.028%; no homozygotes.

Submissions (3):

Fulgent Genetics
Classification: Uncertain significance for Orofacial cleft 11; Microphthalmia with brain and digit anomalies. Last evaluated: 2024-05-09. Review status: criteria provided, single submitter. Criteria: ACMG Guidelines, 2015. Collection method: clinical testing. Allele origin: germline.

PreventionGenetics, part of Exact Sciences
Classification: Uncertain significance for BMP4-related condition. Last evaluated: 2022-12-14. Review status: criteria provided, single submitter. Criteria: ACMG Guidelines, 2015. Collection method: clinical testing. Allele origin: germline.
Comment: The BMP4 c.89C>T variant is predicted to result in the amino acid substitution p.Thr30Met. To our knowledge, this variant has not been reported in the literature. This variant is reported in 0.032% of alleles in individuals of Latino descent in gnomAD. Although we suspect that this variant may be benign, at this time, the clinical significance of this variant is uncertain due to the absence of conclusive functional and genetic evidence.

Labcorp Genetics (formerly Invitae), Labcorp
Classification: Uncertain significance for Microphthalmia with brain and digit anomalies; Orofacial cleft 11. Last evaluated: 2022-09-14. Review status: criteria provided, single submitter. Criteria: Invitae Variant Classification Sherloc (09022015). Collection method: clinical testing. Allele origin: germline.
Comment: In summary, the available evidence is currently insufficient to determine the role of this variant in disease. Therefore, it has been classified as a Variant of Uncertain Significance. Algorithms developed to predict the effect of missense changes on protein structure and function are either unavailable or do not agree on the potential impact of this missense change (SIFT: "Deleterious"; PolyPhen-2: "Possibly Damaging"; Align-GVGD: "Class C15"). This variant has not been reported in the literature in individuals affected with BMP4-related conditions. This variant is present in population databases (rs565895316, gnomAD 0.03%). This sequence change replaces threonine, which is neutral and polar, with methionine, which is neutral and non-polar, at codon 30 of the BMP4 protein (p.Thr30Met).

NM_001202.6(BMP4):c.89C>T (p.Thr30Met)

Gene: BMP4 (bone morphogenetic protein 4; minus strand). Cytogenetic location: 14q22.2.
Variant type: single nucleotide variant.
Coding change: c.89C>T on transcript NM_001202.6 (MANE Select); coding-DNA position 89, C replaced by T.
Protein change: p.Thr30Met; replaces threonine 30 with methionine.
Molecular consequence: missense variant. On other transcripts: 5 prime UTR variant (3).
Genome position (GRCh38, 1-based): chr14:53,952,134, G>A on the plus strand (C>T on the coding strand, the complement: BMP4 is on the minus strand). VCF-style: chr14-53952134-G-A. GRCh37 (hg19) VCF-style: chr14-54418852-G-A.
Other names: c.89C>T (NM_001202.5); c.230C>T, p.Thr77Met (NM_001347912.1); c.-101C>T (NM_001347913.2, NM_001347915.2, NM_001347917.1); c.89C>T, p.Thr30Met (NM_001347914.2, NM_001347916.1, NM_130850.5 and 1 more transcripts); short protein forms T30M, T77M.
Identifiers: ClinVar variation 2158401 (VCV002158401.6), dbSNP rs565895316, ClinGen allele CA7191838.